The following is an entry in ClinVar:

ClinVar aggregate classification (germline): Likely benign. Review status: criteria provided, multiple submitters, no conflicts (2 of 4 stars). 4 submissions from 4 submitters: Likely benign (4). Last evaluated 2025-12-24.

Conditions:
Hereditary cancer-predisposing syndrome. Also called: Tumor predisposition; Neoplastic Syndromes, Hereditary; Hereditary Cancer Syndrome; Hereditary neoplastic syndrome. Identifiers: Orphanet 140162, MedGen C0027672, MeSH D009386, MONDO:0015356.
Juvenile polyposis syndrome (JPS). Identifiers: Orphanet 2929, MedGen C0345893, MONDO:0017380, OMIM 174900.

Allele frequency attached by ClinVar (database versions not stated): TOPMed below 0.00001; gnomAD 0.00001.
gnomAD v4.1: 2 of 1,613,666 alleles (0.00012%); highest among the groups gnomAD compares: Non-Finnish European, 0.00017%; no homozygotes.

Submissions (4):

Labcorp Genetics (formerly Invitae), Labcorp
Classification: Likely benign for Juvenile polyposis syndrome. Last evaluated: 2025-12-24. Review status: criteria provided, single submitter. Criteria: Invitae Variant Classification Sherloc (09022015). Collection method: clinical testing. Allele origin: germline.

Myriad Genetics, Inc.
Classification: Likely benign for Juvenile polyposis syndrome. Last evaluated: 2024-08-06. Review status: criteria provided, single submitter. Criteria: Myriad Autosomal Dominant, Autosomal Recessive and X-Linked Classification Criteria (2023). Collection method: clinical testing. Allele origin: unknown.
Comment: This variant is considered likely benign. This variant is intronic and is not expected to impact mRNA splicing. Homozygosity has been confirmed in one or more individuals. As homozygosity for pathogenic variants in this gene is generally assumed to result in embryonic lethality, this variant is unlikely to be pathogenic.

All of Us Research Program, National Institutes of Health
Classification: Likely benign for Juvenile polyposis syndrome. Last evaluated: 2023-12-18. Review status: criteria provided, single submitter. Criteria: ACMG Guidelines, 2015. Collection method: clinical testing. Allele origin: germline. Inheritance: Autosomal dominant inheritance. Observed: 2 variant alleles, 2 heterozygotes.
Comment: This study involves interpretation of variants in research participants for the purpose of population health screening. Participant phenotype was not available at the time of variant classification. Additional details can be found in publication PMID: 35346344, PMCID: PMC8962531

Color Diagnostics, LLC DBA Color Health
Classification: Likely benign for Hereditary cancer-predisposing syndrome. Last evaluated: 2017-08-31. Review status: criteria provided, single submitter. Criteria: ACMG Guidelines, 2015. Collection method: clinical testing. Allele origin: germline.

NM_004329.3(BMPR1A):c.1167-12C>G

Gene: BMPR1A (bone morphogenetic protein receptor type 1A; plus strand). Cytogenetic location: 10q23.2.
Variant type: single nucleotide variant.
Coding change: c.1167-12C>G on transcript NM_004329.3 (MANE Select); 12 bases into the intron before coding-DNA position 1167, C replaced by G.
Molecular consequence: intron variant.
Genome position (GRCh38, 1-based): chr10:86,921,508, C>G. VCF-style: chr10-86921508-C-G. GRCh37 (hg19) VCF-style: chr10-88681265-C-G.
Identifiers: ClinVar variation 490978 (VCV000490978.13), dbSNP rs1406664448, ClinGen allele CA658683571.
Genomic context (GRCh38, chr10:86,921,508, plus strand): 5'-TAGGACAAAAATACAAGATAAACTATTTTATTTTTGGCCCTCAACTTGGACCTTGGCTTT[C>G]TTTTGTTTCAGTGACACAAATGAAGTTGATGTGCCCTTGAATACCAGGGTGGGCACCAAA-3'